The following is an entry in ClinVar:

NM_000061.3(BTK):c.615G>T (p.Glu205Asp)

Gene: BTK (Bruton tyrosine kinase; minus strand). Cytogenetic location: Xq22.1.
Variant type: single nucleotide variant.
Coding change: c.615G>T on transcript NM_000061.3 (MANE Select); coding-DNA position 615, G replaced by T.
Protein change: p.Glu205Asp; replaces glutamic acid 205 with aspartic acid.
Molecular consequence: missense variant.
Genome position (GRCh38, 1-based): chrX:101,360,729, C>A on the plus strand (G>T on the coding strand, the complement: BTK is on the minus strand). VCF-style: chrX-101360729-C-A. GRCh37 (hg19) VCF-style: chrX-100615717-C-A.
Other names: c.717G>T, p.Glu239Asp (NM_001287344.2); c.615G>T, p.Glu205Asp (NM_001287345.2); short protein forms E205D, E239D.
Identifiers: ClinVar variation 286327 (VCV000286327.37), dbSNP rs35877704, ClinGen allele CA10473139.

ClinVar aggregate classification (germline): Benign/Likely benign. Review status: criteria provided, multiple submitters, no conflicts (2 of 4 stars). 13 submissions from 12 submitters: Benign (1); Likely benign (11). 1 of the submissions does not count toward it. Last evaluated 2026-02-02.

Conditions:
BTK-related disorder. Also called: BTK-related condition.
X-linked agammaglobulinemia (XLA). Also called: Bruton's agammaglobulinemia; Bruton-type agammaglobulinemia; Agammaglobulinemia, Bruton tyrosine kinase; Agammaglobulinemia, BTK; BTK-deficiency; IMMUNODEFICIENCY 1. Identifiers: Orphanet 229717, Orphanet 47, MedGen C0221026, MONDO:0010421, OMIM 300755.
X-linked agammaglobulinemia with growth hormone deficiency (IGHD3). Also called: ISOLATED GROWTH HORMONE DEFICIENCY, TYPE III, WITH AGAMMAGLOBULINEMIA; AGAMMAGLOBULINEMIA AND ISOLATED GROWTH HORMONE DEFICIENCY, X-LINKED; Isolated growth hormone deficiency type 3; Growth hormone deficiency with hypogammaglobulinemia; FLEISHER SYNDROME; HYPOGAMMAGLOBULINEMIA AND ISOLATED GROWTH HORMONE DEFICIENCY, X-LINKED. Identifiers: Orphanet 231692, Orphanet 631, MedGen C0472813, MONDO:0010615, OMIM 307200.

Allele frequency attached by ClinVar (database versions not stated): 1000 Genomes Project 30x 0.00021; 1000 Genomes Project 0.00026; TOPMed 0.00098; gnomAD exomes 0.00110 and 0.00183; gnomAD 0.00111 and 0.00114; ExAC 0.00112; ESP Exome Variant Server 0.00161.
gnomAD v4.1: 2,111 of 1,209,517 alleles (0.17%); highest among the groups gnomAD compares: Non-Finnish European, 0.21%; 1 homozygote.

Submissions (13):

Labcorp Genetics (formerly Invitae), Labcorp
Classification: Benign for X-linked agammaglobulinemia with growth hormone deficiency. Last evaluated: 2026-02-02. Review status: criteria provided, single submitter. Criteria: Invitae Variant Classification Sherloc (09022015). Collection method: clinical testing. Allele origin: germline.

Women's Health and Genetics/Laboratory Corporation of America, LabCorp
Classification: Likely benign. Last evaluated: 2025-09-29. Review status: criteria provided, single submitter. Criteria: LabCorp Variant Classification Summary - May 2015. Collection method: clinical testing. Allele origin: germline.
Comment: Variant summary: BTK c.615G>T (p.Glu205Asp) results in a conservative amino acid change in the encoded protein sequence. Algorithms developed to predict the effect of missense changes on protein structure and function are either unavailable or do not agree on the potential impact of this missense change. The variant allele was found at a frequency of 0.0011 in 183290 control chromosomes, including multiple hemizygous males. c.615G>T has been observed in individuals affected with X-linked agammaglobulinemia or IgM deficiency without strong evidence of causality (e.g., Vorechovsky_1995, Geier_2018). These reports do not provide unequivocal conclusions about association of the variant with X-linked agammaglobulinemia. Co-occurrence with another pathogenic variant has been reported (BTK c.161del, p.Gly54fs, Vorechovsky_1995), providing supporting evidence for a benign role. To our knowledge, no experimental evidence demonstrating an impact on protein function has been reported. The following publications have been ascertained in the context of this evaluation (PMID: 15661031, 9280283, 7711734, 11102316, 8594569, 30619340). ClinVar contains an entry for this variant (Variation ID: 286327). Based on the evidence outlined above, the variant was classified as likely benign.

Blueprint Genetics
Classification: Likely benign. Last evaluated: 2024-11-20. Review status: criteria provided, single submitter. Criteria: ACMG Guidelines, 2015. Collection method: clinical testing. Allele origin: germline.

ARUP Laboratories, Molecular Genetics and Genomics, ARUP Laboratories
Classification: Likely benign. Last evaluated: 2023-08-22. Review status: criteria provided, single submitter. Criteria: ARUP Molecular Germline Variant Investigation Process 2024. Collection method: clinical testing. Allele origin: germline.

Fulgent Genetics
Classification: Likely benign for X-linked agammaglobulinemia; X-linked agammaglobulinemia with growth hormone deficiency. Last evaluated: 2022-05-05. Review status: criteria provided, single submitter. Criteria: ACMG Guidelines, 2015. Collection method: clinical testing. Allele origin: unknown.

Center for Pediatric Genomic Medicine, Children's Mercy Hospital and Clinics
Classification: Likely benign. Last evaluated: 2017-08-16. Review status: criteria provided, single submitter. Criteria: ACMG Guidelines, 2015. Collection method: clinical testing. Allele origin: germline.

Illumina Laboratory Services, Illumina
Classification: Likely benign for X-linked agammaglobulinemia with growth hormone deficiency. Last evaluated: 2017-04-27. Review status: criteria provided, single submitter. Criteria: ICSL Variant Classification Criteria 13 December 2019. Collection method: clinical testing. Allele origin: germline.
Comment: This variant was observed as part of a predisposition screen in an ostensibly healthy population. A literature search was performed for the gene, cDNA change, and amino acid change (where applicable). No publications were found based on this search. Allele frequency data from public databases allowed determination this variant is unlikely to cause disease. Therefore, this variant is classified as likely benign.

Illumina Laboratory Services, Illumina
Classification: Likely benign for X-linked agammaglobulinemia. Last evaluated: 2017-04-27. Review status: criteria provided, single submitter. Criteria: ICSL Variant Classification Criteria 13 December 2019. Collection method: clinical testing. Allele origin: germline.
Comment: This variant was observed as part of a predisposition screen in an ostensibly healthy population. A literature search was performed for the gene, cDNA change, and amino acid change (where applicable). Publications were found based on this search. The evidence from the literature, in combination with allele frequency data from public databases where available, was sufficient to determine this variant is unlikely to cause disease. Therefore, this variant is classified as likely benign.

Laboratory for Molecular Medicine, Mass General Brigham Personalized Medicine
Classification: Likely benign. Last evaluated: 2016-06-02. Review status: criteria provided, single submitter. Criteria: LMM Criteria. Collection method: clinical testing. Allele origin: germline.
Comment: Variant identified in a genome or exome case(s) and assessed due to predicted null impact of the variant or pathogenic assertions in the literature or databases. Disclaimer: This variant has not undergone full assessment. The following are preliminary notes: 0.1% in ExAC , 30 hemizygotes

Eurofins Ntd Llc (ga)
Classification: Likely benign. Last evaluated: 2016-03-01. Review status: criteria provided, single submitter. Criteria: EGL Classification Definitions 2015. Collection method: clinical testing. Allele origin: germline. Observed: 1 variant allele, 1 hemizygote.

GeneDx
Classification: Likely benign. Last evaluated: 2015-08-24. Review status: criteria provided, single submitter. Criteria: GeneDx Variant Classification (06012015). Collection method: clinical testing. Allele origin: germline. Affected: yes.
Comment: This variant is considered likely benign or benign based on one or more of the following criteria: it is a conservative change, it occurs at a poorly conserved position in the protein, it is predicted to be benign by multiple in silico algorithms, and/or has population frequency not consistent with disease.

Breakthrough Genomics
Classification: Likely benign. Review status: criteria provided, single submitter. Criteria: ACMG Guidelines, 2015. Collection method: not provided. Allele origin: germline. Inheritance: X-linked inheritance. Affected: yes.

PreventionGenetics, part of Exact Sciences
Classification: Likely benign for BTK-related condition. Last evaluated: 2020-02-24. Review status: no assertion criteria provided. Collection method: clinical testing. Allele origin: germline. Not counted in ClinVar's aggregate classification.
Comment: This variant is classified as likely benign based on ACMG/AMP sequence variant interpretation guidelines (Richards et al. 2015 PMID: 25741868, with internal and published modifications).

Literature cited by the submitters: PubMed 15661031 (cited by Women's Health and Genetics/Laboratory Corporation of America, LabCorp); PubMed 9280283 (cited by Women's Health and Genetics/Laboratory Corporation of America, LabCorp); PubMed 7711734 (cited by Women's Health and Genetics/Laboratory Corporation of America, LabCorp and Illumina Laboratory Services, Illumina); PubMed 11102316 (cited by Women's Health and Genetics/Laboratory Corporation of America, LabCorp); PubMed 8594569 (cited by Women's Health and Genetics/Laboratory Corporation of America, LabCorp); PubMed 30619340 (cited by Women's Health and Genetics/Laboratory Corporation of America, LabCorp); PubMed 24001798 (cited by Illumina Laboratory Services, Illumina).